The following continues an entry in ClinVar:

NM_000137.4(FAH):c.1062+5G>A

Gene: FAH. ClinVar aggregate classification (germline): Pathogenic/Likely pathogenic. Pathogenic (27); Likely pathogenic (1).

Submissions 13 to 31 of 36:

Institute of Human Genetics, University of Leipzig Medical Center
Classification: Pathogenic for Tyrosinemia type I. Last evaluated: 2024-02-12. Review status: criteria provided, single submitter. Criteria: ACMG Guidelines, 2015. Collection method: clinical testing. Allele origin: unknown. Inheritance: Autosomal recessive inheritance. Affected: yes.
Comment: Criteria applied: PM3_VSTR,PS3,PM2_SUP,PP4

Genetics and Genomic Medicine Centre, NeuroGen Healthcare, NeuroGen Healthcare
Classification: Pathogenic for Tyrosinemia type I. Last evaluated: 2024-02-07. Review status: criteria provided, single submitter. Criteria: ACMG Guidelines, 2015. Collection method: clinical testing. Allele origin: unknown. Affected: yes.

Fulgent Genetics
Classification: Pathogenic for Tyrosinemia type I. Last evaluated: 2024-01-18. Review status: criteria provided, single submitter. Criteria: ACMG Guidelines, 2015. Collection method: clinical testing. Allele origin: germline.

Victorian Clinical Genetics Services, Murdoch Childrens Research Institute
Classification: Pathogenic for Tyrosinemia type I. Last evaluated: 2023-12-20. Review status: criteria provided, single submitter. Criteria: ACMG Guidelines, 2015. Collection method: clinical testing. Allele origin: germline. Inheritance: Autosomal recessive inheritance. Affected: yes.
Comment: Based on the classification scheme VCGS_Germline_v1.3.4, this variant is classified as Pathogenic. Following criteria are met: 0102 - Loss of function is a known mechanism of disease in this gene and is associated with tyrosinemia, type I, (MIM#276700). (I) 0106 - This gene is associated with autosomal recessive disease. (I) 0209 - Splice site variant proven to affect splicing of the transcript with uncertain effect on protein sequence. RT-PCR of Hep3B cells transfected with a minigene assay indicates that this variant causes exon 12 skipping, although additional products were observed. Due to these products, and the uncertainty regarding the use of minigene assays, the protein outcome of this splicing event is uncertain (PMID: 23895425). (SP) 0251 - This variant is heterozygous. (I) 0304 - Variant is present in gnomAD (v2) <0.01 for a recessive condition (102 heterozygotes, 0 homozygotes). (SP) 0801 - This variant has strong previous evidence of pathogenicity in unrelated individuals. This variant has been reported many times as pathogenic, and has been observed in both homozygous and compound heterozygous individuals with hereditary tyrosinemia (ClinVar, PMID: 30414057. PMID: 31574857). (SP) 1208 - Inheritance information for this variant is not currently available in this individual. (I) Legend: (SP) - Supporting pathogenic, (I) - Information, (SB) - Supporting benign

Revvity Omics, Revvity
Classification: Pathogenic for Tyrosinemia type I. Last evaluated: 2023-03-31. Review status: criteria provided, single submitter. Criteria: ACMG Guidelines, 2015. Collection method: clinical testing. Allele origin: germline.

GeneDx
Classification: Pathogenic. Last evaluated: 2022-11-18. Review status: criteria provided, single submitter. Criteria: GeneDx Variant Classification Process June 2021. Collection method: clinical testing. Allele origin: germline. Affected: yes.
Comment: Common pathogenic variant in patients with tyrosinemia type I from the French origin population of Canada or from western Europe (St-Louis et al, 1997); Functional analysis using a minigene found that c.1062+5 G>A results in exon skipping of exon 12 (Prez-Carro et al. 2014); This variant is associated with the following publications: (PMID: 26565546, 8028615, 27876694, 25087612, 23895425, 22975760, 25525159, 8318997, 27794060, 29497141, 29326876, 30414057, 30609409, 31568711, 34426522, 31589614, 33083013, 11754109, 9705236)

CeGaT Center for Human Genetics Tuebingen
Classification: Pathogenic. Last evaluated: 2022-06-01. Review status: criteria provided, single submitter. Criteria: CeGaT Center For Human Genetics Tuebingen Variant Classification Criteria Version 2. Collection method: clinical testing. Allele origin: germline. Affected: yes. Observed: 2 variant alleles.
Comment: FAH: PM3:Very Strong, PM2, PP3, PP4, PS3:Supporting

Myriad Genetics, Inc.
Classification: Pathogenic for Tyrosinemia type I. Last evaluated: 2019-11-12. Review status: criteria provided, single submitter. Criteria: Myriad Women's Health Autosomal Recessive and X-Linked Classification Criteria (2019). Collection method: clinical testing. Allele origin: unknown.
Comment: NM_000137.2(FAH):c.1062+5G>A is classified as pathogenic in the context of type I tyrosinemia. Sources cited for classification include the following: PMID 23895425, 21752152, 12203990, 22554029, 8318997, 8821854, 8829657 and 8028615. Classification of NM_000137.2(FAH):c.1062+5G>A is based on the following criteria: This is a well-established pathogenic variant in the literature that has been observed more frequently in patients with clinical diagnoses than in healthy populations. Please note: this variant was assessed in the context of healthy population screening.

Genomic Research Center, Shahid Beheshti University of Medical Sciences
Classification: Pathogenic for Tyrosinemia type I. Last evaluated: 2017-12-18. Review status: criteria provided, single submitter. Criteria: ACMG Guidelines, 2015. Collection method: clinical testing. Allele origin: inherited.

Eurofins Ntd Llc (ga)
Classification: Pathogenic. Last evaluated: 2017-09-06. Review status: criteria provided, single submitter. Criteria: EGL Classification Definitions 2015. Collection method: clinical testing. Allele origin: germline. Observed: 4 variant alleles, 3 heterozygotes, 1 homozygote.

Illumina Laboratory Services, Illumina
Classification: Pathogenic for Tyrosinemia type I. Last evaluated: 2017-04-27. Review status: criteria provided, single submitter. Criteria: ICSL Variant Classification Criteria 09 May 2019. Collection method: clinical testing. Allele origin: germline.
Comment: The FAH c.1062+5G>A variant is one of the most commonly detected pathogenic variants in patients with tyrosinemia type 1. The variant has been reported in at least nine studies in which it is found in a total of 336 patients, including in 47 patients in a homozygous state, in five patients in a compound heterozygous state and in 15 patients in a heterozygous state. The c.1062+5G>A variant was also detected in 11/395 blood spots from anonymous newborns from the Quebec area (Grompe et al. 1993; Grompe et al. 1994; St-Louis et al. 1995; Poudrier et al. 1996; Bergman et al. 1998; Elpeleg et al. 2002; Arranz et al. 2002; Perez-Carro et al. 2014; Mayorandan et al. 2014). The incidence of tyrosinemia is much higher in the Saguenay-Lac-St-Jean region of Quebec than in the rest of the world. In this region the c.1062+5G>A variant was detected in 62/68 patient alleles, and in 86/180 obligate carrier alleles (Grompe et al. 1994; Poudrier et al. 1996). The c.1062+5G>A variant was absent from 91 healthy controls and is reported at a frequency of 0.0007 in the European American population of the Exome Sequencing Project. Functional studies have shown that the variant results in aberrant splicing leading to the skipping of exon 12 of the FAH gene (Arranz et al. 2002; Perez-Carro et al. 2014) and loss of enzyme activity in patient fibroblasts (St-Louis et al. 1995; Bergman et al. 1998). Based on the collective evidence, the c.1062+5G>A variant is classified as pathogenic for tyrosinemia. This variant was observed by ICSL as part of a predisposition screen in an ostensibly healthy population.

Laboratory for Molecular Medicine, Mass General Brigham Personalized Medicine
Classification: Pathogenic for Tyrosinemia type I. Last evaluated: 2017-04-06. Review status: criteria provided, single submitter. Criteria: LMM Criteria. Collection method: clinical testing. Allele origin: germline. Inheritance: Autosomal recessive inheritance. Observed: 1 variant allele.
Comment: The c.1062+5G>A (NM_000137.2) variant in FAH has been reported in 14 homozygous and 2 compound heterozygous individuals with Tyrosinemia type I (Grompe 1993, B liksrud 2012, Mayorandan 2014, and Mannion 2016). This variant has also been rep orted in ClinVar (Variation ID#11870) by multiple laboratories as pathogenic. Th is variant has been identified in 0.065% (41/63,022) of European chromosomes by the Exome Aggregation Consortium (ExAC; dbSNP rs 80338901). In vitro splicing assays provide evidence that the c.1062+5G>A varian t impacts splicing (Perez-Carro 2014). Biallelic loss of function of the FAH gen e has been associated with Tyrosinemia type I. In summary, this variant meets c riteria to be classified as pathogenic for Tyrosinemia type I in an autosomal re cessive manner based upon functional evidence and its occurrence in individuals with this disease.

CENTOGENE GmbH and LLC - Guiding Precision Medicine
Classification: Pathogenic for Tyrosinemia type I. Review status: criteria provided, single submitter. Criteria: ACMG Guidelines, 2015. Collection method: clinical testing. Allele origin: germline. Affected: yes.

Institute of Human Genetics, University Hospital of Duesseldorf
Classification: Pathogenic for Tyrosinemia type I. Review status: criteria provided, single submitter. Criteria: ACMG Guidelines, 2015. Collection method: not provided. Allele origin: germline. Inheritance: Autosomal recessive inheritance. Affected: yes.

Kariminejad - Najmabadi Pathology & Genetics Center
Classification: Pathogenic for Tyrosinemia type I. Review status: criteria provided, single submitter. Criteria: ACMG Guidelines, 2015. Collection method: clinical testing. Allele origin: germline. Affected: no.

Neuberg Centre For Genomic Medicine, NCGM
Classification: Pathogenic for Tyrosinemia type I. Review status: criteria provided, single submitter. Criteria: ACMG Guidelines, 2015. Collection method: clinical testing. Allele origin: germline. Affected: yes.
Comment: Thec.1062+5 G>A variant is a common pathogenic variant in patients with tyrosinemia type I from theFrench origin population of Canada or from western Europe (Lazarin GA et al). Functional analysis found that c.1062+5 G>A results in exon skipping of exon 12 (Pérez-Carro R). The variant has been submitted to ClinVar as Pathogenic. Due to the above reasons it has been classified as Pathogenic.

Department of Genetics, Sultan Qaboos University Hospital
Classification: Pathogenic for Tyrosinemia type I. Last evaluated: 2017-12-30. Review status: no assertion criteria provided. Collection method: curation. Allele origin: unknown. Affected: yes. Not counted in ClinVar's aggregate classification.

OMIM
Classification: Pathogenic for TYROSINEMIA, TYPE I. Last evaluated: 1998-06-01. Review status: no assertion criteria provided. Collection method: literature only. Allele origin: germline. Not counted in ClinVar's aggregate classification.

Department of Pathology and Laboratory Medicine, Sinai Health System
Classification: Uncertain significance. Review status: no assertion criteria provided. Collection method: clinical testing. Allele origin: unknown. Affected: yes. Study: The Canadian Open Genetics Repository (COGR). Not counted in ClinVar's aggregate classification.